The following is an entry in ClinVar:

ClinVar aggregate classification (germline): Benign/Likely benign. Review status: criteria provided, multiple submitters, no conflicts (2 of 4 stars). 4 submissions from 4 submitters: Benign (3); Likely benign (1). Last evaluated 2026-06-03.

Allele frequency attached by ClinVar (database versions not stated): TOPMed 0.02223; ESP Exome Variant Server 0.02491; 1000 Genomes Project 0.02516; 1000 Genomes Project 30x 0.02826.
gnomAD v4.1: 6,317 of 1,612,492 alleles (0.39%); highest among the groups gnomAD compares: African/African-American, 7.5%; 221 homozygotes.

Submissions (4):

Women's Health and Genetics/Laboratory Corporation of America, LabCorp
Classification: Likely benign. Last evaluated: 2026-06-03. Review status: criteria provided, single submitter. Criteria: LabCorp Variant Classification Summary - May 2015. Collection method: clinical testing. Allele origin: germline.
Comment: Variant summary: LOXL3 c.317G>T (p.Arg106Leu) results in a non-conservative amino acid change in the encoded protein sequence. Algorithms developed to predict the effect of missense changes on protein structure and function are either unavailable or do not agree on the potential impact of this missense change. The variant allele was found at a frequency of 0.0054 in 249354 control chromosomes, predominantly at a frequency of 0.075 within the African or African-American subpopulation in the gnomAD database, including 49 homozygotes. The observed variant frequency within African or African-American control individuals in the gnomAD database exceeds the estimated maximal expected allele frequency for disease-causing variants in LOXL3. To our knowledge, no occurrence of c.317G>T in individuals affected with LOXL3-related conditions and no experimental evidence demonstrating its impact on protein function have been reported. ClinVar contains an entry for this variant (Variation ID: 777996). Based on the evidence outlined above, the variant was classified as likely benign.

Labcorp Genetics (formerly Invitae), Labcorp
Classification: Benign. Last evaluated: 2026-02-02. Review status: criteria provided, single submitter. Criteria: Invitae Variant Classification Sherloc (09022015). Collection method: clinical testing. Allele origin: germline.

GeneDx
Classification: Benign. Last evaluated: 2021-05-06. Review status: criteria provided, single submitter. Criteria: GeneDx Variant Classification Process June 2021. Collection method: clinical testing. Allele origin: germline. Affected: yes.

Breakthrough Genomics
Classification: Benign. Review status: criteria provided, single submitter. Criteria: ACMG Guidelines, 2015. Collection method: not provided. Allele origin: germline. Inheritance: Autosomal recessive inheritance. Affected: yes.

NM_032603.5(LOXL3):c.317G>T (p.Arg106Leu)

Genes: LOXL3 (lysyl oxidase like 3; minus strand), DOK1 (docking protein 1; plus strand). Cytogenetic location: 2p13.1.
Variant type: single nucleotide variant.
Coding change: c.317G>T on transcript NM_032603.5 (MANE Select); coding-DNA position 317, G replaced by T.
Protein change: p.Arg106Leu; replaces arginine 106 with leucine.
Molecular consequence: missense variant. On other transcripts: intron variant (1).
Genome position (GRCh38, 1-based): chr2:74,550,345, C>A on the plus strand (G>T on the coding strand, the complement: LOXL3 is on the minus strand). VCF-style: chr2-74550345-C-A. GRCh37 (hg19) VCF-style: chr2-74777472-C-A.
Other names: c.317G>T, p.Arg106Leu (NM_001289164.3); c.-358+1173C>A (NM_001197260.2); short protein forms R106L.
Identifiers: ClinVar variation 777996 (VCV000777996.15), dbSNP rs73949682, ClinGen allele CA1729205.